The following is an entry in ClinVar:

NM_004984.4(KIF5A):c.2174A>C (p.Gln725Pro)

Gene: KIF5A (kinesin family member 5A; plus strand). Cytogenetic location: 12q13.3.
Variant type: single nucleotide variant.
Coding change: c.2174A>C on transcript NM_004984.4 (MANE Select); coding-DNA position 2174, A replaced by C.
Protein change: p.Gln725Pro; replaces glutamine 725 with proline.
Molecular consequence: missense variant.
Genome position (GRCh38, 1-based): chr12:57,576,354, A>C. VCF-style: chr12-57576354-A-C. GRCh37 (hg19) VCF-style: chr12-57970137-A-C.
Other names: c.1907A>C, p.Gln636Pro (NM_001354705.2); short protein forms Q725P, Q636P.
Identifiers: ClinVar variation 246566 (VCV000246566.2), dbSNP rs879254315, ClinGen allele CA10584435.
Genomic context (GRCh38, chr12:57,576,354, plus strand): 5'-GTCACCGGGAGGCCCATCACCGGCAGCTGGCCCGGCTCCGGGACGAGATCAACGAGAAGC[A>C]GAAGACCATTGATGAGCTCAAAGAGTAAGGGTTCCCAAGGGCGACTCCAGCCCCTCCCGG-3'
Protein context (NP_004975.2, residues 715-735): ARLRDEINEK[Gln725Pro]KTIDELKDLN

ClinVar aggregate classification (germline): Uncertain significance (1 of 4 stars; one submission).

Submission:

GeneDx
Classification: Uncertain significance. Last evaluated: 2016-04-18. Review status: criteria provided, single submitter. Criteria: GeneDx Variant Classification (06012015). Collection method: clinical testing. Allele origin: germline. Affected: yes.
Comment: The Q725P variant in the KIF5A gene has not been reported previously as a pathogenic variant, nor as a benign variant, to our knowledge. The Q725P variant was not observed in approximately 6500 individuals of European and African American ancestry in the NHLBI Exome Sequencing Project, indicating it is not a common benign variant in these populations. The Q725P variant is a non-conservative amino acid substitution, which is likely to impact secondary protein structure as these residues differ in polarity, charge, size and/or other properties. Although this substitution occurs at a position that is conserved in mammals, in silico analysis is inconsistent in its predictions as to whether or not the variant is damaging to the protein structure/function. Therefore, we interpret Q725P as a variant of uncertain significance.